The following is an entry in ClinVar:

NM_001277115.2(DNAH11):c.1442C>T (p.Thr481Ile)

Gene: DNAH11 (dynein axonemal heavy chain 11; plus strand). Cytogenetic location: 7p15.3.
Variant type: single nucleotide variant.
Coding change: c.1442C>T on transcript NM_001277115.2 (MANE Select); coding-DNA position 1442, C replaced by T.
Protein change: p.Thr481Ile; replaces threonine 481 with isoleucine.
Molecular consequence: missense variant.
Genome position (GRCh38, 1-based): chr7:21,571,822, C>T. VCF-style: chr7-21571822-C-T. GRCh37 (hg19) VCF-style: chr7-21611440-C-T.
Other names: short protein forms T481I.
Identifiers: ClinVar variation 1422740 (VCV001422740.6), dbSNP rs1583491099, ClinGen allele CA366935786.
Genomic context (GRCh38, chr7:21,571,822, plus strand): 5'-CTGCTCAATGTAGTGGAAAGGTCTTTACTGTGTTTTTTACAAAGGATATATTTGCCACCA[C>T]TTTGGAATTTGAAAAGCTGGAAAGACTGGAATTTGGTGGTACCAAAGGAGCAATTTTAAA-3'
Protein context (NP_001264044.1, residues 471-491): LIKIEDIFAT[Thr481Ile]LEFEKLERLE

ClinVar aggregate classification (germline): Uncertain significance (1 of 4 stars; one submission).

Conditions:
Primary ciliary dyskinesia. Also called: Ciliary dyskinesia. Identifiers: Orphanet 244, MedGen C0008780, MONDO:0016575, HP:0012265.

Submission:

Labcorp Genetics (formerly Invitae), Labcorp
Classification: Uncertain significance for Primary ciliary dyskinesia. Last evaluated: 2023-11-27. Review status: criteria provided, single submitter. Criteria: Invitae Variant Classification Sherloc (09022015). Collection method: clinical testing. Allele origin: germline.
Comment: This sequence change replaces threonine, which is neutral and polar, with isoleucine, which is neutral and non-polar, at codon 481 of the DNAH11 protein (p.Thr481Ile). This variant is not present in population databases (gnomAD no frequency). This variant has not been reported in the literature in individuals affected with DNAH11-related conditions. ClinVar contains an entry for this variant (Variation ID: 1422740). Advanced modeling of protein sequence and biophysical properties (such as structural, functional, and spatial information, amino acid conservation, physicochemical variation, residue mobility, and thermodynamic stability) performed at Invitae indicates that this missense variant is not expected to disrupt DNAH11 protein function with a negative predictive value of 95%. In summary, the available evidence is currently insufficient to determine the role of this variant in disease. Therefore, it has been classified as a Variant of Uncertain Significance.